The following is an entry in ClinVar:

ClinVar aggregate classification (germline): Likely benign. Review status: criteria provided, multiple submitters, no conflicts (2 of 4 stars). 3 submissions from 3 submitters: Likely benign (3). Last evaluated 2026-01-28.

Conditions:
Lysinuric protein intolerance (LPI). Identifiers: Orphanet 470, MedGen C0268647, MONDO:0009109, OMIM 222700.

Allele frequency attached by ClinVar (database versions not stated): ExAC 0.00003; gnomAD 0.00003; TOPMed 0.00003; gnomAD exomes 0.00004.
gnomAD v4.1: 88 of 1,613,970 alleles (0.0055%); highest among the groups gnomAD compares: Non-Finnish European, 0.0071%; no homozygotes.

Submissions (3):

Labcorp Genetics (formerly Invitae), Labcorp
Classification: Likely benign for Lysinuric protein intolerance. Last evaluated: 2026-01-28. Review status: criteria provided, single submitter. Criteria: Invitae Variant Classification Sherloc (09022015). Collection method: clinical testing. Allele origin: germline.

Blueprint Genetics
Classification: Likely benign. Last evaluated: 2023-05-19. Review status: criteria provided, single submitter. Criteria: ACMG Guidelines, 2015. Collection method: clinical testing. Allele origin: germline.

GeneDx
Classification: Likely benign. Last evaluated: 2018-02-27. Review status: criteria provided, single submitter. Criteria: GeneDx Variant Classification (06012015). Collection method: clinical testing. Allele origin: germline. Affected: yes.
Comment: This variant is considered likely benign or benign based on one or more of the following criteria: it is a conservative change, it occurs at a poorly conserved position in the protein, it is predicted to be benign by multiple in silico algorithms, and/or has population frequency not consistent with disease.

NM_003982.4(SLC7A7):c.1122C>T (p.Cys374=)

Gene: SLC7A7 (solute carrier family 7 member 7; minus strand). Cytogenetic location: 14q11.2.
Variant type: single nucleotide variant.
Coding change: c.1122C>T on transcript NM_003982.4 (MANE Select); coding-DNA position 1122, C replaced by T.
Protein change: p.Cys374=; no amino-acid change (cysteine 374 retained).
Molecular consequence: synonymous variant.
Genome position (GRCh38, 1-based): chr14:22,774,477, G>A on the plus strand (C>T on the coding strand, the complement: SLC7A7 is on the minus strand). VCF-style: chr14-22774477-G-A. GRCh37 (hg19) VCF-style: chr14-23243686-G-A.
Other names: c.1122C>T, p.Cys374= (NM_001126105.3, NM_001126106.4).
Identifiers: ClinVar variation 508314 (VCV000508314.10), dbSNP rs771254387, ClinGen allele CA7104473.